The following is an entry in ClinVar:

NM_003105.6(SORL1):c.6550G>A (p.Ala2184Thr)

Gene: SORL1 (sortilin related receptor 1; plus strand). Cytogenetic location: 11q24.1.
Variant type: single nucleotide variant.
Coding change: c.6550G>A on transcript NM_003105.6 (MANE Select); coding-DNA position 6550, G replaced by A.
Protein change: p.Ala2184Thr; replaces alanine 2184 with threonine.
Molecular consequence: missense variant.
Genome position (GRCh38, 1-based): chr11:121,627,740, G>A. VCF-style: chr11-121627740-G-A. GRCh37 (hg19) VCF-style: chr11-121498449-G-A.
Other names: short protein forms A2184T.
Identifiers: ClinVar variation 2886553 (VCV002886553.3), dbSNP rs369618646, ClinGen allele CA6330293.

ClinVar aggregate classification (germline): Uncertain significance (1 of 4 stars; one submission).

Allele frequency attached by ClinVar (database versions not stated): gnomAD exomes 0.00001; ExAC 0.00004; ESP Exome Variant Server 0.00008; gnomAD 0.00015; TOPMed 0.00015.
gnomAD v4.1: 35 of 1,613,666 alleles (0.0022%); highest among the groups gnomAD compares: African/African-American, 0.036%; no homozygotes.

Submission:

Labcorp Genetics (formerly Invitae), Labcorp
Classification: Uncertain significance. Last evaluated: 2024-11-11. Review status: criteria provided, single submitter. Criteria: Invitae Variant Classification Sherloc (09022015). Collection method: clinical testing. Allele origin: germline.
Comment: This sequence change replaces alanine, which is neutral and non-polar, with threonine, which is neutral and polar, at codon 2184 of the SORL1 protein (p.Ala2184Thr). This variant is present in population databases (rs369618646, gnomAD 0.03%). This variant has not been reported in the literature in individuals affected with SORL1-related conditions. ClinVar contains an entry for this variant (Variation ID: 2886553). An algorithm developed to predict the effect of missense changes on protein structure and function (PolyPhen-2) suggests that this variant is likely to be disruptive. In summary, the available evidence is currently insufficient to determine the role of this variant in disease. Therefore, it has been classified as a Variant of Uncertain Significance.